The following is an entry in ClinVar:

NM_000548.5(TSC2):c.4298C>A (p.Ser1433Ter)

Gene: TSC2 (TSC complex subunit 2; plus strand). Cytogenetic location: 16p13.3.
Variant type: single nucleotide variant.
Coding change: c.4298C>A on transcript NM_000548.5 (MANE Select); coding-DNA position 4298, C replaced by A.
Protein change: p.Ser1433Ter; replaces serine 1433 with a stop codon.
Molecular consequence: nonsense.
Genome position (GRCh38, 1-based): chr16:2,084,520, C>A. VCF-style: chr16-2084520-C-A. GRCh37 (hg19) VCF-style: chr16-2134521-C-A.
Other names: c.4097C>A, p.Ser1366Ter (NM_001077183.3); c.4229C>A, p.Ser1410Ter (NM_001114382.3); c.3989C>A, p.Ser1330Ter (NM_001318827.2); c.3953C>A, p.Ser1318Ter (NM_001318829.2); c.3566C>A, p.Ser1189Ter (NM_001318831.2); c.4130C>A, p.Ser1377Ter (NM_001318832.2); c.4100C>A, p.Ser1367Ter (NM_001363528.2); c.4166C>A, p.Ser1389Ter (NM_001370404.1); and 1 more; short protein forms S1433*, S1189*, S1318*, S1330*, S1366*, S1377*, S1367*, S1389*.
Identifiers: ClinVar variation 49516 (VCV000049516.9), dbSNP rs45517335, ClinGen allele CA020214.
Genomic context (GRCh38, chr16:2,084,520, plus strand): 5'-AGGTTAAGGCCCGGTCACAGTCAGGGACCCTGGACGGGGAAAGTGCTGCCTGGTCGGCCT[C>A]GGGCGAAGACAGTCGGGGCCAGCCCGAGGGTCCCTTGCCTTCCAGCTCCCCCCGCTCGCC-3'

ClinVar aggregate classification (germline): Pathogenic. Review status: criteria provided, single submitter (1 of 4 stars). 2 submissions from 2 submitters: Pathogenic (1). 1 of the submissions does not count toward it. Last evaluated 2019-10-09.

Conditions:
Tuberous sclerosis syndrome (TSC). Also called: Tuberous Sclerosis Complex; Tuberous sclerosis. Identifiers: Orphanet 805, MedGen C0041341, MONDO:0001734.
Tuberous sclerosis 2 (TSC2). Identifiers: Orphanet 805, MedGen C1860707, MONDO:0013199, OMIM 613254.

Submissions (2):

Labcorp Genetics (formerly Invitae), Labcorp
Classification: Pathogenic for Tuberous sclerosis 2. Last evaluated: 2019-10-09. Review status: criteria provided, single submitter. Criteria: Invitae Variant Classification Sherloc (09022015). Collection method: clinical testing. Allele origin: germline.
Comment: Algorithms developed to predict the effect of sequence changes on RNA splicing suggest that this variant may create or strengthen a splice site, but this prediction has not been confirmed by published transcriptional studies. For these reasons, this variant has been classified as Pathogenic. Loss-of-function variants in TSC2 are known to be pathogenic (PMID: 10205261, 17304050). This variant has been observed in an individual affected with tuberous sclerosis complex (PMID: 10205261). ClinVar contains an entry for this variant (Variation ID: 49516). This variant is not present in population databases (ExAC no frequency). This sequence change creates a premature translational stop signal (p.Ser1433*) in the TSC2 gene. It is expected to result in an absent or disrupted protein product.

Tuberous sclerosis database (TSC2)
No classification provided. Condition: TSC. Review status: no classification provided. Criteria: Tuberous Sclerosis Database Assertion Criteria 2015. Collection method: curation. Allele origin: germline. Affected: yes. Not counted in ClinVar's aggregate classification.

Literature cited by the submitters: PubMed 10205261 (cited by Labcorp Genetics (formerly Invitae), Labcorp); PubMed 17304050 (cited by Labcorp Genetics (formerly Invitae), Labcorp).